The following is an entry in ClinVar:

ClinVar aggregate classification (germline): Uncertain significance. Review status: criteria provided, multiple submitters, no conflicts (2 of 4 stars). 5 submissions from 5 submitters: Uncertain significance (5). Last evaluated 2025-06-30.

Conditions:
ZNF423-related disorder. Also called: ZNF423-related condition.
Nephronophthisis 14 (NPHP14). Identifiers: Orphanet 2318, MedGen C3539071, MONDO:0013916, OMIM 614844.

Allele frequency attached by ClinVar (database versions not stated): gnomAD exomes 0.00003; TOPMed 0.00004; ExAC 0.00005; gnomAD 0.00005 and 0.00006; ESP Exome Variant Server 0.00023.
gnomAD v4.1: 50 of 1,583,896 alleles (0.0032%); highest among the groups gnomAD compares: Non-Finnish European, 0.0041%; no homozygotes.

Submissions (5):

PreventionGenetics, part of Exact Sciences
Classification: Uncertain significance for ZNF423-related condition. Last evaluated: 2025-06-30. Review status: criteria provided, single submitter. Criteria: ACMG Guidelines, 2015. Collection method: clinical testing. Allele origin: germline.
Comment: The ZNF423 c.3277G>A variant is predicted to result in the amino acid substitution p.Ala1093Thr. To our knowledge, this variant has not been reported in the literature. This variant is reported in 0.0063% of alleles in individuals of European (Non-Finnish) descent in gnomAD. At this time, the clinical significance of this variant is uncertain due to the absence of conclusive functional and genetic evidence.

Labcorp Genetics (formerly Invitae), Labcorp
Classification: Uncertain significance for Nephronophthisis 14. Last evaluated: 2024-11-05. Review status: criteria provided, single submitter. Criteria: Invitae Variant Classification Sherloc (09022015). Collection method: clinical testing. Allele origin: germline.
Comment: This sequence change replaces alanine, which is neutral and non-polar, with threonine, which is neutral and polar, at codon 1093 of the ZNF423 protein (p.Ala1093Thr). This variant is present in population databases (rs144425413, gnomAD 0.007%). This variant has not been reported in the literature in individuals affected with ZNF423-related conditions. ClinVar contains an entry for this variant (Variation ID: 426779). Invitae Evidence Modeling of protein sequence and biophysical properties (such as structural, functional, and spatial information, amino acid conservation, physicochemical variation, residue mobility, and thermodynamic stability) indicates that this missense variant is not expected to disrupt ZNF423 protein function with a negative predictive value of 80%. In summary, the available evidence is currently insufficient to determine the role of this variant in disease. Therefore, it has been classified as a Variant of Uncertain Significance.

Blueprint Genetics
Classification: Uncertain significance. Last evaluated: 2024-08-20. Review status: criteria provided, single submitter. Criteria: ACMG Guidelines, 2015. Collection method: clinical testing. Allele origin: germline.

Women's Health and Genetics/Laboratory Corporation of America, LabCorp
Classification: Uncertain significance. Last evaluated: 2024-07-22. Review status: criteria provided, single submitter. Criteria: LabCorp Variant Classification Summary - May 2015. Collection method: clinical testing. Allele origin: germline.
Comment: Variant summary: ZNF423 c.3277G>A (p.Ala1093Thr) results in a non-conservative amino acid change in the encoded protein sequence. Three of five in-silico tools predict a damaging effect of the variant on protein function. The variant allele was found at a frequency of 2.8e-05 in 213550 control chromosomes. The available data on variant occurrences in the general population are insufficient to allow any conclusion about variant significance. To our knowledge, no occurrence of c.3277G>A in individuals affected with ZNF423-Related Disorders and no experimental evidence demonstrating its impact on protein function have been reported. ClinVar contains an entry for this variant (Variation ID: 426779). Based on the evidence outlined above, the variant was classified as uncertain significance.

GeneDx
Classification: Uncertain significance. Last evaluated: 2017-04-04. Review status: criteria provided, single submitter. Criteria: GeneDx Variant Classification (06012015). Collection method: clinical testing. Allele origin: germline. Affected: yes.
Comment: The A1093T variant in the ZNF423 gene has not been reported previously as a pathogenic variant, nor as a benign variant, to our knowledge. The A1093T variant is observed in 5/5739 (0.009%) alleles from individuals of European background, in the ExAC dataset (Lek et al., 2016). The A1093T variant is a non-conservative amino acid substitution, which is likely to impact secondary protein structure as these residues differ in polarity, charge, size and/or other properties. This substitution occurs at a position that is conserved across species. In silico analysis is inconsistent in its predictions as to whether or not the variant is damaging to the protein structure/function. We interpret A1093T as a variant of uncertain significance.

NM_001379286.1(ZNF423):c.3301G>A (p.Ala1101Thr)

Gene: ZNF423 (zinc finger protein 423; minus strand). Cytogenetic location: 16q12.1.
Variant type: single nucleotide variant.
Coding change: c.3301G>A on transcript NM_001379286.1 (MANE Select); coding-DNA position 3301, G replaced by A.
Protein change: p.Ala1101Thr; replaces alanine 1101 with threonine.
Molecular consequence: missense variant.
Genome position (GRCh38, 1-based): chr16:49,635,875, C>T on the plus strand (G>A on the coding strand, the complement: ZNF423 is on the minus strand). VCF-style: chr16-49635875-C-T. GRCh37 (hg19) VCF-style: chr16-49669786-C-T.
Other names: c.3097G>A, p.Ala1033Thr (NM_001271620.2); c.2926G>A, p.Ala976Thr (NM_001330533.2); c.3277G>A, p.Ala1093Thr (NM_015069.5); c.3277G>A (NM_015069.4); short protein forms A1033T, A1093T, A976T, A1101T.
Identifiers: ClinVar variation 426779 (VCV000426779.9), dbSNP rs144425413, ClinGen allele CA8046342.